The following is an entry in ClinVar:

ClinVar aggregate classification (germline): Pathogenic (1 of 4 stars; one submission).

Allele frequency attached by ClinVar (database versions not stated): gnomAD exomes below 0.00001; ExAC 0.00001.

Submission:

Labcorp Genetics (formerly Invitae), Labcorp
Classification: Pathogenic. Last evaluated: 2024-10-15. Review status: criteria provided, single submitter. Criteria: Invitae Variant Classification Sherloc (09022015). Collection method: clinical testing. Allele origin: germline.
Comment: This sequence change creates a premature translational stop signal (p.Leu104Lysfs*3) in the KIZ gene. It is expected to result in an absent or disrupted protein product. Loss-of-function variants in KIZ are known to be pathogenic (PMID: 24680887, 29057815). This variant is present in population databases (rs769530569, gnomAD 0.005%). This variant has not been reported in the literature in individuals affected with KIZ-related conditions. ClinVar contains an entry for this variant (Variation ID: 2131732). For these reasons, this variant has been classified as Pathogenic.

Literature cited by the submitters: PubMed 24680887; PubMed 29057815.

NM_018474.6(KIZ):c.305_309dup (p.Leu104fs)

Genes: KIZ (kizuna centrosomal protein; plus strand), LOC130065509 (ATAC-STARR-seq lymphoblastoid active region 17619; plus strand). Cytogenetic location: 20p11.23.
Variant type: Duplication.
Coding change: c.305_309dup on transcript NM_018474.6 (MANE Select); coding-DNA positions 305 to 309, 5 bases duplicated (AAAAA; older notation c.305_309dupAAAAA).
Protein change: p.Leu104fs; shifts the reading frame from leucine 104.
Molecular consequence: frameshift variant. On other transcripts: 5 prime UTR variant (1), intron variant (4).
Genome position (GRCh38, 1-based): chr20:21,136,542-21,136,546, AAAAA duplicated. VCF-style (leftmost placement, unchanged base first): chr20-21136541-C-CAAAAA. GRCh37 (hg19) VCF-style: chr20-21117182-C-CAAAAA.
Other names: c.305_309dup, p.Leu104fs (NM_001352434.2); c.-82_-78dup (NM_001352436.2); c.169-9023_169-9019dup (NM_001276389.2); c.6+4383_6+4387dup (NM_001163022.3, NM_001352435.2, NM_001163023.3); short protein forms L104fs.
Identifiers: ClinVar variation 2131732 (VCV002131732.4), dbSNP rs769530569, ClinGen allele CA9784613.